The following is an entry in ClinVar:

ClinVar aggregate classification (germline): Likely benign (1 of 4 stars; one submission).

Allele frequency attached by ClinVar (database versions not stated): gnomAD exomes 0.00059; ExAC 0.00510; gnomAD 0.00596; TOPMed 0.00681; ESP Exome Variant Server 0.00731; 1000 Genomes Project 0.00839; 1000 Genomes Project 30x 0.00937.
gnomAD v4.1: 1,768 of 1,570,644 alleles (0.11%); highest among the groups gnomAD compares: African/African-American, 2%; 12 homozygotes.

Submission:

GeneDx
Classification: Likely benign. Last evaluated: 2021-05-10. Review status: criteria provided, single submitter. Criteria: GeneDx Variant Classification Process June 2021. Collection method: clinical testing. Allele origin: germline. Affected: yes.
Comment: See Variant Classification Assertion Criteria.

NM_005502.4(ABCA1):c.66+23C>T

Gene: ABCA1 (ATP binding cassette subfamily A member 1; minus strand). Cytogenetic location: 9q31.1.
Variant type: single nucleotide variant.
Coding change: c.66+23C>T on transcript NM_005502.4 (MANE Select); 23 bases into the intron after coding-DNA position 66, C replaced by T.
Molecular consequence: intron variant.
Genome position (GRCh38, 1-based): chr9:104,903,591, G>A on the plus strand (C>T on the coding strand, the complement: ABCA1 is on the minus strand). VCF-style: chr9-104903591-G-A. GRCh37 (hg19) VCF-style: chr9-107665872-G-A.
Identifiers: ClinVar variation 1706649 (VCV001706649.2), dbSNP rs148190672, ClinGen allele CA5169514.
Genomic context (GRCh38, chr9:104,903,591, plus strand): 5'-CCTCCCTCCCTCCTCCAATCCCCAACTCAAAACCACAAAGAAAAAATGAGAGAACCCCCC[G>A]CTGCTGAAAAACCCAAGCTTACTGTTTGTCTTCTTCTGAAAGTGAGGTTCTTCCACAGCA-3'